The following is an entry in ClinVar:

NM_006364.4(SEC23A):c.927T>C (p.Pro309=)

Gene: SEC23A (SEC23 homolog A, COPII component; minus strand). Cytogenetic location: 14q21.1.
Variant type: single nucleotide variant.
Coding change: c.927T>C on transcript NM_006364.4 (MANE Select); coding-DNA position 927, T replaced by C.
Protein change: p.Pro309=; no amino-acid change (proline 309 retained).
Molecular consequence: synonymous variant.
Genome position (GRCh38, 1-based): chr14:39,075,995, A>G on the plus strand (T>C on the coding strand, the complement: SEC23A is on the minus strand). VCF-style: chr14-39075995-A-G. GRCh37 (hg19) VCF-style: chr14-39545199-A-G.
Other names: p.Pro309=.
Identifiers: ClinVar variation 464900 (VCV000464900.17), dbSNP rs17108797, ClinGen allele CA7161999.

ClinVar aggregate classification (germline): Benign. Review status: criteria provided, multiple submitters, no conflicts (2 of 4 stars). 5 submissions from 5 submitters: Benign (4). 1 of the submissions does not count toward it. Last evaluated 2026-02-01.

Conditions:
Craniolenticulosutural dysplasia (CLSD). Also called: BOYADJIEV-JABS SYNDROME. Identifiers: Orphanet 50814, MedGen C1843042, MONDO:0011911, OMIM 607812.
SEC23A-related disorder. Also called: SEC23A-related condition.

Allele frequency attached by ClinVar (database versions not stated): ESP Exome Variant Server 0.04736; gnomAD 0.04778 and 0.04599; ExAC 0.04867; gnomAD exomes 0.05092 and 0.06002; 1000 Genomes Project 30x 0.02077; 1000 Genomes Project 0.02157; TOPMed 0.04571.
gnomAD v4.1: 95,028 of 1,613,692 alleles (5.9%); highest among the groups gnomAD compares: Middle Eastern, 6.9%; 3,273 homozygotes.

Submissions (5):

Labcorp Genetics (formerly Invitae), Labcorp
Classification: Benign for Craniolenticulosutural dysplasia. Last evaluated: 2026-02-01. Review status: criteria provided, single submitter. Criteria: Invitae Variant Classification Sherloc (09022015). Collection method: clinical testing. Allele origin: germline.

GeneDx
Classification: Benign. Last evaluated: 2018-10-16. Review status: criteria provided, single submitter. Criteria: GeneDx Variant Classification Process June 2021. Collection method: clinical testing. Allele origin: germline. Affected: yes.

Mayo Clinic Laboratories, Mayo Clinic
Classification: Benign. Last evaluated: 2017-12-19. Review status: criteria provided, single submitter. Criteria: ACMG Guidelines, 2015. Collection method: clinical testing. Allele origin: germline. Observed: 3 variant alleles.

Breakthrough Genomics
Classification: Benign. Review status: criteria provided, single submitter. Criteria: ACMG Guidelines, 2015. Collection method: not provided. Allele origin: germline. Inheritance: Autosomal recessive inheritance. Affected: yes.

PreventionGenetics, part of Exact Sciences
Classification: Benign for SEC23A-related condition. Last evaluated: 2019-07-15. Review status: no assertion criteria provided. Collection method: clinical testing. Allele origin: germline. Not counted in ClinVar's aggregate classification.
Comment: This variant is classified as benign based on ACMG/AMP sequence variant interpretation guidelines (Richards et al. 2015 PMID: 25741868, with internal and published modifications).